The following is an entry in ClinVar:

ClinVar aggregate classification (germline): Uncertain significance (1 of 4 stars; one submission).

Conditions:
MEGF8-related Carpenter syndrome. Also called: Carpenter syndrome 2. Identifiers: Orphanet 65759, MedGen C3554247, MONDO:0013998, OMIM 614976.

Submission:

Labcorp Genetics (formerly Invitae), Labcorp
Classification: Uncertain significance for MEGF8-related Carpenter syndrome. Last evaluated: 2016-06-17. Review status: criteria provided, single submitter. Criteria: Invitae Variant Classification Sherloc (09022015). Collection method: clinical testing. Allele origin: germline.
Comment: Algorithms developed to predict the effect of missense changes on protein structure and function do not agree on the potential impact of this missense change (SIFT: "Deleterious"; PolyPhen-2: "Probably Damaging"; Align-GVGD: "Class C0"). In summary, this variant is a rare missense change with uncertain impact on protein function. It has been reported in both the population and affected individuals, but the available evidence is currently insufficient to determine its role in disease. Therefore, it has been classified as a Variant of Uncertain Significance. While this variant is not present in population databases, the frequency information is unreliable, as metrics indicate poor data quality at this position in the ExAC database. This variant has not been reported in the literature in an individual with a MEGF8-related disease. This sequence change replaces leucine with tryptophan at codon 2619 of the MEGF8 protein (p.Leu2619Trp). The leucine residue is moderately conserved and there is a small physicochemical difference between leucine and tryptophan.

NM_001271938.2(MEGF8):c.8057T>G (p.Leu2686Trp)

Gene: MEGF8 (multiple EGF like domains 8; plus strand). Cytogenetic location: 19q13.2.
Variant type: single nucleotide variant.
Coding change: c.8057T>G on transcript NM_001271938.2 (MANE Select); coding-DNA position 8057, T replaced by G.
Protein change: p.Leu2686Trp; replaces leucine 2686 with tryptophan.
Molecular consequence: missense variant.
Genome position (GRCh38, 1-based): chr19:42,376,294, T>G. VCF-style: chr19-42376294-T-G. GRCh37 (hg19) VCF-style: chr19-42880446-T-G.
Other names: c.7856T>G, p.Leu2619Trp (NM_001410.3); short protein forms L2619W, L2686W.
Identifiers: ClinVar variation 473350 (VCV000473350.8), dbSNP rs1555785144, ClinGen allele CA406142693.
Genomic context (GRCh38, chr19:42,376,294, plus strand): 5'-GTGTGCTCCTCTGGAAGGCCAAGCAGGCTCTGGACCAGCGGCAGGAGCAGCGCCGGCACT[T>G]GCAGGAGATGACCAAGATGGCCAGCCGCCCCTTCGCCAAGGTCACCGTCTGCTTCCCACC-3'
Protein context (NP_001258867.1, residues 2676-2696): LDQRQEQRRH[Leu2686Trp]QEMTKMASRP